The following is an entry in ClinVar:

ClinVar aggregate classification (germline): Uncertain significance (1 of 4 stars; one submission).

Conditions:
FCN1-related disorder. Also called: FCN1-related condition.

Allele frequency attached by ClinVar (database versions not stated): gnomAD 0.00001; ESP Exome Variant Server 0.00008.
gnomAD v4.1: 8 of 1,614,106 alleles (0.0005%); highest among the groups gnomAD compares: Non-Finnish European, 0.00068%; no homozygotes.

Submission:

PreventionGenetics, part of Exact Sciences
Classification: Uncertain significance for FCN1-related condition. Last evaluated: 2023-09-29. Review status: criteria provided, single submitter. Criteria: ACMG Guidelines, 2015. Collection method: clinical testing. Allele origin: germline.
Comment: The FCN1 c.135C>G variant is predicted to result in the amino acid substitution p.Asp45Glu. To our knowledge, this variant has not been reported in the literature or in a large population database, indicating this variant is rare. At this time, the clinical significance of this variant is uncertain due to the absence of conclusive functional and genetic evidence.

NM_002003.5(FCN1):c.135C>G (p.Asp45Glu)

Gene: FCN1 (ficolin 1; minus strand). Cytogenetic location: 9q34.3.
Variant type: single nucleotide variant.
Coding change: c.135C>G on transcript NM_002003.5 (MANE Select); coding-DNA position 135, C replaced by G.
Protein change: p.Asp45Glu; replaces aspartic acid 45 with glutamic acid.
Molecular consequence: missense variant.
Genome position (GRCh38, 1-based): chr9:134,916,430, G>C on the plus strand (C>G on the coding strand, the complement: FCN1 is on the minus strand). VCF-style: chr9-134916430-G-C. GRCh37 (hg19) VCF-style: chr9-137808276-G-C.
Other names: short protein forms D45E.
Identifiers: ClinVar variation 2633917 (VCV002633917.1), dbSNP rs372337686, ClinGen allele CA201148231.